The following is an entry in ClinVar:

ClinVar aggregate classification (germline): Uncertain significance (1 of 4 stars; one submission).

Submission:

GeneDx
Classification: Uncertain significance. Last evaluated: 2025-08-14. Review status: criteria provided, single submitter. Criteria: GeneDx Variant Classification Process June 2021. Collection method: clinical testing. Allele origin: germline. Affected: yes.
Comment: Not observed at significant frequency in large population cohorts (gnomAD); In silico analysis supports that this missense variant has a deleterious effect on protein structure/function; Has not been previously published as pathogenic or benign to our knowledge

NM_197968.4(ZMYM2):c.1210T>C (p.Ser404Pro)

Gene: ZMYM2 (zinc finger MYM-type containing 2; plus strand). Cytogenetic location: 13q12.11.
Variant type: single nucleotide variant.
Coding change: c.1210T>C on transcript NM_197968.4 (MANE Select); coding-DNA position 1210, T replaced by C.
Protein change: p.Ser404Pro; replaces serine 404 with proline.
Molecular consequence: missense variant. On other transcripts: non-coding transcript variant (1).
Genome position (GRCh38, 1-based): chr13:20,005,150, T>C. VCF-style: chr13-20005150-T-C. GRCh37 (hg19) VCF-style: chr13-20579290-T-C.
Other names: c.1210T>C, p.Ser404Pro (NM_001190964.4, NM_001190965.4, NM_001353157.2 and 5 more transcripts); c.1015T>C, p.Ser339Pro (NM_001353161.3); c.949T>C, p.Ser317Pro (NM_001353163.2); short protein forms S404P, S317P, S339P.
Identifiers: ClinVar variation 4795654 (VCV004795654.1).